The following is an entry in ClinVar:

ClinVar aggregate classification (germline): Conflicting classifications of pathogenicity. Review status: criteria provided, conflicting classifications (1 of 4 stars). 3 submissions from 3 submitters: Uncertain significance (1); Likely benign (2). Last evaluated 2025-11-25.

Conditions:
CNGA1-related disorder. Also called: CNGA1-related condition.

Allele frequency attached by ClinVar (database versions not stated): gnomAD exomes 0.00001; TOPMed 0.00005.
gnomAD v4.1: 32 of 1,572,136 alleles (0.002%); highest among the groups gnomAD compares: Middle Eastern, 0.05%; 1 homozygote.

Submissions (3):

Labcorp Genetics (formerly Invitae), Labcorp
Classification: Likely benign. Last evaluated: 2025-11-25. Review status: criteria provided, single submitter. Criteria: Invitae Variant Classification Sherloc (09022015). Collection method: clinical testing. Allele origin: germline.

PreventionGenetics, part of Exact Sciences
Classification: Likely benign for CNGA1-related condition. Last evaluated: 2025-05-15. Review status: criteria provided, single submitter. Criteria: ACMG Guidelines, 2015. Collection method: clinical testing. Allele origin: germline.
Comment: This variant is classified as likely benign based on ACMG/AMP sequence variant interpretation guidelines (Richards et al. 2015 PMID: 25741868, with internal and published modifications).

Eurofins Ntd Llc (ga)
Classification: Uncertain significance. Last evaluated: 2014-06-10. Review status: criteria provided, single submitter. Criteria: EGL Classification Definitions 2015. Collection method: clinical testing. Allele origin: germline. Observed: 1 variant allele, 1 heterozygote.

NM_001379270.1(CNGA1):c.438-6C>T

Genes: CNGA1 (cyclic nucleotide gated channel subunit alpha 1; minus strand), LOC101927157 (uncharacterized LOC101927157; plus strand). Cytogenetic location: 4p12.
Variant type: single nucleotide variant.
Coding change: c.438-6C>T on transcript NM_001379270.1 (MANE Select); 6 bases into the intron before coding-DNA position 438, C replaced by T.
Molecular consequence: intron variant.
Genome position (GRCh38, 1-based): chr4:47,942,154, G>A on the plus strand (C>T on the coding strand, the complement: CNGA1 is on the minus strand). VCF-style: chr4-47942154-G-A. GRCh37 (hg19) VCF-style: chr4-47944171-G-A.
Other names: c.438-6C>T (NM_000087.5, NM_001142564.2).
Identifiers: ClinVar variation 198990 (VCV000198990.15), dbSNP rs794727950, ClinGen allele CA247941.